The following is an entry in ClinVar:

NM_001374736.1(DST):c.15765C>T (p.Asp5255=)

Gene: DST (dystonin; minus strand). Cytogenetic location: 6p12.1.
Variant type: single nucleotide variant.
Coding change: c.15765C>T on transcript NM_001374736.1 (MANE Select); coding-DNA position 15765, C replaced by T.
Protein change: p.Asp5255=; no amino-acid change (aspartic acid 5255 retained).
Molecular consequence: synonymous variant.
Genome position (GRCh38, 1-based): chr6:56,553,027, G>A on the plus strand (C>T on the coding strand, the complement: DST is on the minus strand). VCF-style: chr6-56553027-G-A. GRCh37 (hg19) VCF-style: chr6-56417825-G-A.
Other names: c.9408C>T (NM_001144769.2); c.9408C>T, p.Asp3136= (NM_001144769.5); c.8994C>T, p.Asp2998= (NM_001144770.2); c.15765C>T, p.Asp5255= (NM_001374722.1); c.15132C>T, p.Asp5044= (NM_001374729.1); c.8874C>T, p.Asp2958= (NM_001374730.1, NM_001386100.1, NM_183380.4); c.15792C>T, p.Asp5264= (NM_001374734.1); c.7896C>T, p.Asp2632= (NM_015548.5).
Identifiers: ClinVar variation 1132853 (VCV001132853.10), dbSNP rs368002729, ClinGen allele CA3867775.

ClinVar aggregate classification (germline): Likely benign. Review status: criteria provided, multiple submitters, no conflicts (2 of 4 stars). 2 submissions from 2 submitters: Likely benign (2). Last evaluated 2025-08-03.

Conditions:
DST-related disorder. Also called: DST-related condition; DST-related disorders.
Epidermolysis bullosa simplex 3, localized or generalized intermediate, with BP230 deficiency (EBS3). Also called: Epidermolysis bullosa simplex, autosomal recessive 2; Epidermolysis bullosa simplex due to BP230 deficiency. Identifiers: Orphanet 412181, MedGen C3809470, MONDO:0014180, OMIM 615425.
Hereditary sensory and autonomic neuropathy type 6. Also called: Neuropathy, hereditary sensory and autonomic, type VI; HSAN VI. Identifiers: Orphanet 314381, MedGen C3539003, MONDO:0013839, OMIM 614653.

Allele frequency attached by ClinVar (database versions not stated): gnomAD 0.00004 and 0.00006; gnomAD exomes 0.00004 and 0.00007; ExAC 0.00006; TOPMed 0.00006; ESP Exome Variant Server 0.00008.
gnomAD v4.1: 113 of 1,613,720 alleles (0.007%); highest among the groups gnomAD compares: Non-Finnish European, 0.0089%; no homozygotes.

Submissions (2):

Labcorp Genetics (formerly Invitae), Labcorp
Classification: Likely benign for Epidermolysis bullosa simplex 3, localized or generalized intermediate, with BP230 deficiency; Hereditary sensory and autonomic neuropathy type 6. Last evaluated: 2025-08-03. Review status: criteria provided, single submitter. Criteria: Invitae Variant Classification Sherloc (09022015). Collection method: clinical testing. Allele origin: germline.

PreventionGenetics, part of Exact Sciences
Classification: Likely benign for DST-related condition. Last evaluated: 2025-06-11. Review status: criteria provided, single submitter. Criteria: ACMG Guidelines, 2015. Collection method: clinical testing. Allele origin: germline.
Comment: This variant is classified as likely benign based on ACMG/AMP sequence variant interpretation guidelines (Richards et al. 2015 PMID: 25741868, with internal and published modifications).